The following is an entry in ClinVar:

NM_005529.7(HSPG2):c.1268C>G (p.Thr423Arg)

Gene: HSPG2 (heparan sulfate proteoglycan 2; minus strand). Cytogenetic location: 1p36.12.
Variant type: single nucleotide variant.
Coding change: c.1268C>G on transcript NM_005529.7 (MANE Select); coding-DNA position 1268, C replaced by G.
Protein change: p.Thr423Arg; replaces threonine 423 with arginine.
Molecular consequence: missense variant.
Genome position (GRCh38, 1-based): chr1:21,885,100, G>C on the plus strand (C>G on the coding strand, the complement: HSPG2 is on the minus strand). VCF-style: chr1-21885100-G-C. GRCh37 (hg19) VCF-style: chr1-22211593-G-C.
Other names: c.1268C>G, p.Thr423Arg (NM_001291860.2); short protein forms T423R.
Identifiers: ClinVar variation 1357975 (VCV001357975.6), dbSNP rs1396052475, ClinGen allele CA338967362.

ClinVar aggregate classification (germline): Uncertain significance (1 of 4 stars; one submission).

Allele frequency attached by ClinVar (database versions not stated): gnomAD exomes below 0.00001.
gnomAD v4.1: 2 of 1,613,516 alleles (0.00012%); no homozygotes.

Submission:

Labcorp Genetics (formerly Invitae), Labcorp
Classification: Uncertain significance. Last evaluated: 2025-04-16. Review status: criteria provided, single submitter. Criteria: Invitae Variant Classification Sherloc (09022015). Collection method: clinical testing. Allele origin: germline.
Comment: This sequence change replaces threonine, which is neutral and polar, with arginine, which is basic and polar, at codon 423 of the HSPG2 protein (p.Thr423Arg). This variant is present in population databases (no rsID available, gnomAD no frequency). This variant has not been reported in the literature in individuals affected with HSPG2-related conditions. ClinVar contains an entry for this variant (Variation ID: 1357975). An algorithm developed to predict the effect of missense changes on protein structure and function (PolyPhen-2) suggests that this variant is likely to be disruptive. In summary, the available evidence is currently insufficient to determine the role of this variant in disease. Therefore, it has been classified as a Variant of Uncertain Significance.